The following is an entry in ClinVar:

ClinVar aggregate classification (germline): Uncertain significance. Review status: criteria provided, multiple submitters, no conflicts (2 of 4 stars). 2 submissions from 2 submitters: Uncertain significance (2). Last evaluated 2024-04-25.

Conditions:
Progressive myoclonic epilepsy type 5. Identifiers: Orphanet 402082, MedGen C5190799.

Allele frequency attached by ClinVar (database versions not stated): gnomAD 0.00002; TOPMed 0.00002.
gnomAD v4.1: 4 of 1,614,024 alleles (0.00025%); highest among the groups gnomAD compares: Non-Finnish European, 0.00034%; no homozygotes.

Submissions (2):

Women's Health and Genetics/Laboratory Corporation of America, LabCorp
Classification: Uncertain significance. Last evaluated: 2024-04-25. Review status: criteria provided, single submitter. Criteria: LabCorp Variant Classification Summary - May 2015. Collection method: clinical testing. Allele origin: germline.
Comment: Variant summary: PRICKLE2 c.396G>T (p.Gln132His) results in a non-conservative amino acid change located in the zinc finger, LIM-type domain (IPR001781) of the encoded protein sequence. Three of five in-silico tools predict a benign effect of the variant on protein function. Several computational tools predict a significant impact on normal splicing: Three predict the variant weakens a 5' splicing donor site, while one predicts no significant impact on splicing. However, these predictions have yet to be confirmed by functional studies. The variant was absent in 251422 control chromosomes. The available data on variant occurrences in the general population are insufficient to allow any conclusion about variant significance. To our knowledge, no occurrence of c.396G>T in individuals affected with PRICKLE2-Related Disorders and no experimental evidence demonstrating its impact on protein function have been reported. ClinVar contains an entry for this variant (Variation ID: 657103). Based on the evidence outlined above, the variant was classified as uncertain significance.

Labcorp Genetics (formerly Invitae), Labcorp
Classification: Uncertain significance for Progressive myoclonic epilepsy type 5. Last evaluated: 2023-11-27. Review status: criteria provided, single submitter. Criteria: Invitae Variant Classification Sherloc (09022015). Collection method: clinical testing. Allele origin: germline.
Comment: This sequence change replaces glutamine, which is neutral and polar, with histidine, which is basic and polar, at codon 132 of the PRICKLE2 protein (p.Gln132His). This variant also falls at the last nucleotide of exon 4, which is part of the consensus splice site for this exon. This variant is present in population databases (no rsID available, gnomAD 0.007%). This variant has not been reported in the literature in individuals affected with PRICKLE2-related conditions. ClinVar contains an entry for this variant (Variation ID: 657103). An algorithm developed to predict the effect of missense changes on protein structure and function (PolyPhen-2) suggests that this variant is likely to be tolerated. Variants that disrupt the consensus splice site are a relatively common cause of aberrant splicing (PMID: 17576681, 9536098). In summary, the available evidence is currently insufficient to determine the role of this variant in disease. Therefore, it has been classified as a Variant of Uncertain Significance.

Literature cited by the submitters: PubMed 17576681 (cited by Labcorp Genetics (formerly Invitae), Labcorp); PubMed 9536098 (cited by Labcorp Genetics (formerly Invitae), Labcorp).

NM_198859.4(PRICKLE2):c.396G>T (p.Gln132His)

Gene: PRICKLE2 (prickle planar cell polarity protein 2; minus strand). Cytogenetic location: 3p14.1.
Variant type: single nucleotide variant.
Coding change: c.396G>T on transcript NM_198859.4 (MANE Select); coding-DNA position 396, G replaced by T.
Protein change: p.Gln132His; replaces glutamine 132 with histidine.
Molecular consequence: missense variant.
Genome position (GRCh38, 1-based): chr3:64,159,940, C>A on the plus strand (G>T on the coding strand, the complement: PRICKLE2 is on the minus strand). VCF-style: chr3-64159940-C-A. GRCh37 (hg19) VCF-style: chr3-64145616-C-A.
Other names: c.396G>T, p.Gln132His (NM_001370528.1); short protein forms Q132H.
Identifiers: ClinVar variation 657103 (VCV000657103.9), dbSNP rs1446878933, ClinGen allele CA353435295.